The following is an entry in ClinVar:

ClinVar aggregate classification (germline): Uncertain significance. Review status: criteria provided, multiple submitters, no conflicts (2 of 4 stars). 2 submissions from 2 submitters: Uncertain significance (2). Last evaluated 2024-06-28.

Conditions:
Cardiovascular phenotype. Identifiers: MedGen CN230736.
ANKRD1-related dilated cardiomyopathy. Identifiers: MedGen CN119551.

Allele frequency attached by ClinVar (database versions not stated): gnomAD exomes below 0.00001; TOPMed below 0.00001; gnomAD 0.00001.

Submissions (2):

Ambry Genetics
Classification: Uncertain significance for Cardiovascular phenotype. Last evaluated: 2024-06-28. Review status: criteria provided, single submitter. Criteria: Ambry Variant Classification Scheme 2023. Collection method: clinical testing. Allele origin: germline.
Comment: The c.507G>A variant (also known as p.V169V), located in coding exon 5 of the ANKRD1 gene, results from a G to A substitution at nucleotide position 507. This nucleotide substitution does not change the amino acid at codon 169. This nucleotide position is well conserved in available vertebrate species. In silico splice site analysis for this alteration is inconclusive. Based on the available evidence, the clinical significance of this variant remains unclear.

Labcorp Genetics (formerly Invitae), Labcorp
Classification: Uncertain significance for ANKRD1-related dilated cardiomyopathy. Last evaluated: 2023-10-20. Review status: criteria provided, single submitter. Criteria: Invitae Variant Classification Sherloc (09022015). Collection method: clinical testing. Allele origin: germline.
Comment: This sequence change affects codon 169 of the ANKRD1 mRNA. It is a 'silent' change, meaning that it does not change the encoded amino acid sequence of the ANKRD1 protein. This variant is not present in population databases (gnomAD no frequency). This variant has not been reported in the literature in individuals affected with ANKRD1-related conditions. Algorithms developed to predict the effect of sequence changes on RNA splicing suggest that this variant may disrupt the consensus splice site. In summary, the available evidence is currently insufficient to determine the role of this variant in disease. Therefore, it has been classified as a Variant of Uncertain Significance.

NM_014391.3(ANKRD1):c.507G>A (p.Val169=)

Gene: ANKRD1 (ankyrin repeat domain 1; minus strand). Cytogenetic location: 10q23.31.
Variant type: single nucleotide variant.
Coding change: c.507G>A on transcript NM_014391.3 (MANE Select); coding-DNA position 507, G replaced by A.
Protein change: p.Val169=; no amino-acid change (valine 169 retained).
Molecular consequence: synonymous variant.
Genome position (GRCh38, 1-based): chr10:90,917,777, C>T on the plus strand (G>A on the coding strand, the complement: ANKRD1 is on the minus strand). VCF-style: chr10-90917777-C-T. GRCh37 (hg19) VCF-style: chr10-92677534-C-T.
Identifiers: ClinVar variation 2891744 (VCV002891744.4), dbSNP rs184503777, ClinGen allele CA211423343.
Genomic context (GRCh38, chr10:90,917,777, plus strand): 5'-AAGAAATATATTTACCATATCACGGAATTCGATCTGGGCTCCAGCTTCCATTAACTTCTC[C>T]ACAATTGCCAAATGTCCTTCCAAGCATGCTCTATGAAGAGCTGTCCGTTTATACTATCAG-3'
Protein context (NP_055206.2, residues 159-179): RACLEGHLAI[Val169=]EKLMEAGAQI